The following is an entry in ClinVar:

ClinVar aggregate classification (germline): Pathogenic (1 of 4 stars; one submission).

Submission:

Labcorp Genetics (formerly Invitae), Labcorp
Classification: Pathogenic. Last evaluated: 2024-04-25. Review status: criteria provided, single submitter. Criteria: Invitae Variant Classification Sherloc (09022015). Collection method: clinical testing. Allele origin: germline.
Comment: This sequence change creates a premature translational stop signal (p.Asn249Thrfs*20) in the POLG2 gene. It is expected to result in an absent or disrupted protein product. Loss-of-function variants in POLG2 are known to be pathogenic (PMID: 28078310, 29625556). This variant is present in population databases (no rsID available, gnomAD 0.003%). This variant has not been reported in the literature in individuals affected with POLG2-related conditions. For these reasons, this variant has been classified as Pathogenic.

Literature cited by the submitters: PubMed 28078310; PubMed 29625556.

NM_007215.4(POLG2):c.746del (p.Asn249fs)

Genes: MILR1 (mast cell immunoglobulin like receptor 1; plus strand), POLG2 (DNA polymerase gamma 2, accessory subunit; minus strand). Cytogenetic location: 17q23.3.
Variant type: Deletion.
Coding change: c.746del on transcript NM_007215.4 (MANE Select); coding-DNA position 746, one base deleted (A; older notation c.746delA).
Protein change: p.Asn249fs; shifts the reading frame from asparagine 249.
Molecular consequence: frameshift variant.
Genome position (GRCh38, 1-based): chr17:64,492,716, T deleted on the plus strand (A on the coding strand, the reverse complement: POLG2 is on the minus strand); the first of 3 consecutive T bases (chr17:64,492,716-64,492,718); deleting any one gives the same sequence. VCF-style (leftmost placement, unchanged base first): chr17-64492715-GT-G. GRCh37 (hg19) VCF-style: chr17-62488832-GT-G.
Other names: short protein forms N249fs.
Identifiers: ClinVar variation 2852560 (VCV002852560.3), dbSNP rs1568090396, ClinGen allele CA626879187.
Genomic context (GRCh38, chr17:64,492,715, plus strand): 5'-TTATTGCAGTACCTTTCTCCACCACTGGAGTCGATGACGTAACCAGAAATCAAGCCACTG[GT>G]TTGAAGTTCTCGGAGGAGTAAACCATACTAACGAAGCTTCAGTCTTCTCACCAATACTTT-3'